The following is an entry in ClinVar:

ClinVar aggregate classification (germline): Benign (1 of 4 stars; one submission).

Allele frequency attached by ClinVar (database versions not stated): 1000 Genomes Project 0.16334; gnomAD 0.17007 and 0.17186; 1000 Genomes Project 30x 0.17130; TOPMed 0.17749.
gnomAD v4.1: 25,920 of 152,104 alleles (17%); highest among the groups gnomAD compares: African/African-American, 19%; 2,292 homozygotes.

Submission:

GeneDx
Classification: Benign. Last evaluated: 2018-06-14. Review status: criteria provided, single submitter. Criteria: GeneDx Variant Classification (06012015). Collection method: clinical testing. Allele origin: germline. Affected: yes.
Comment: This variant is considered likely benign or benign based on one or more of the following criteria: it is a conservative change, it occurs at a poorly conserved position in the protein, it is predicted to be benign by multiple in silico algorithms, and/or has population frequency not consistent with disease.

NM_000431.4(MVK):c.372-302C>T

Gene: MVK (mevalonate kinase; plus strand). Cytogenetic location: 12q24.11.
Variant type: single nucleotide variant.
Coding change: c.372-302C>T on transcript NM_000431.4 (MANE Select); 302 bases into the intron before coding-DNA position 372, C replaced by T.
Molecular consequence: intron variant.
Genome position (GRCh38, 1-based): chr12:109,581,093, C>T. VCF-style: chr12-109581093-C-T. GRCh37 (hg19) VCF-style: chr12-110018898-C-T.
Other names: c.371+1147C>T (NM_001301182.2); c.372-302C>T (NM_001114185.3).
Identifiers: ClinVar variation 680643 (VCV000680643.1), dbSNP rs61940514, ClinGen allele CA15730695.